The following is an entry in ClinVar:

ClinVar aggregate classification (germline): Likely benign (0 of 4 stars; one submission).

Conditions:
POMGNT1-related disorder. Also called: POMGNT1-related condition; POMGNT1-related disorders. Identifiers: MedGen CN239299.

Submission:

PreventionGenetics, part of Exact Sciences
Classification: Likely benign for POMGNT1-related condition. Last evaluated: 2021-08-31. Review status: no assertion criteria provided. Collection method: clinical testing. Allele origin: germline.
Comment: This variant is classified as likely benign based on ACMG/AMP sequence variant interpretation guidelines (Richards et al. 2015 PMID: 25741868, with internal and published modifications).

NM_001243766.2(POMGNT1):c.-50-671_-50-663del

Genes: POMGNT1 (protein O-linked mannose N-acetylglucosaminyltransferase 1 (beta 1,2-); minus strand), LOC129930471 (ATAC-STARR-seq lymphoblastoid silent region 837; plus strand). Cytogenetic location: 1p34.1.
Variant type: Deletion.
Coding change: c.-50-671_-50-663del on transcript NM_001243766.2; 671 bases into the intron before 50 bases upstream of the start codon through 663 bases into the intron before 50 bases upstream of the start codon, 9 bases deleted (ACCGCCGCC; older notation c.-50-671_-50-663delACCGCCGCC).
Molecular consequence: intron variant.
Genome position (GRCh38, 1-based): chr1:46,198,534-46,198,542, GGCGGCGGT deleted on the plus strand (ACCGCCGCC on the coding strand, the reverse complement: POMGNT1 is on the minus strand); deleting any 9 consecutive bases within chr1:46,198,534-46,198,548 gives the same sequence; the c. name uses the placement nearest the transcript's 3' end. VCF-style (leftmost placement, unchanged base first): chr1-46198533-CGGCGGCGGT-C. GRCh37 (hg19) VCF-style: chr1-46664205-CGGCGGCGGT-C.
Identifiers: ClinVar variation 3031290 (VCV003031290.2), dbSNP rs966546165, ClinGen allele CA21919162.